The following is an entry in ClinVar:

ClinVar aggregate classification (germline): Conflicting classifications of pathogenicity. Review status: criteria provided, conflicting classifications (1 of 4 stars). 2 submissions from 2 submitters: Likely pathogenic (1); Uncertain significance (1). Last evaluated 2024-03-05.

Conditions:
Malignant hyperthermia, susceptibility to, 1 (MHS1). Also called: Anesthesia related hyperthermia; Malignant hyperpyrexia; Fulminating hyperpyrexia; Pharmacogenic myopathy; Malignant hyperthermia suceptibility 1; RYR1-Related Malignant Hyperthermia Susceptibility. Identifiers: Orphanet 423, MedGen C2930980, MONDO:0007783, OMIM 145600.
Congenital multicore myopathy with external ophthalmoplegia (CMYO1B). Also called: Minicore myopathy with external ophthalmoplegia; MULTICORE MYOPATHY; MULTIMINICORE DISEASE WITH EXTERNAL OPHTHALMOPLEGIA; Congenital myopathy 1B, autosomal recessive; Minicore myopathy. Identifiers: Orphanet 598, Orphanet 98905, MedGen C1850674, MONDO:0009712, OMIM 255320, HP:0003789.

Submissions (2):

All of Us Research Program, National Institutes of Health
Classification: Uncertain significance for Malignant hyperthermia, susceptibility to, 1. Last evaluated: 2024-03-05. Review status: criteria provided, single submitter. Criteria: ACMG Guidelines, 2015. Collection method: clinical testing. Allele origin: germline. Inheritance: Autosomal dominant inheritance. Observed: 1 variant allele, 1 heterozygote.
Comment: This study involves interpretation of variants in research participants for the purpose of population health screening. Participant phenotype was not available at the time of variant classification. Additional details can be found in publication PMID: 35346344, PMCID: PMC8962531

Human Genome Sequencing Center Clinical Lab, Baylor College of Medicine
Classification: Likely pathogenic for Congenital multicore myopathy with external ophthalmoplegia. Last evaluated: 2023-11-09. Review status: criteria provided, single submitter. Criteria: ACMG Guidelines, 2015. Collection method: clinical testing. Allele origin: unknown.

NM_000540.3(RYR1):c.693del (p.Ile232fs)

Gene: RYR1 (ryanodine receptor 1; plus strand). Cytogenetic location: 19q13.2.
Variant type: Deletion.
Coding change: c.693del on transcript NM_000540.3 (MANE Select); coding-DNA position 693, one base deleted (C; older notation c.693delC).
Protein change: p.Ile232fs; shifts the reading frame from isoleucine 232.
Molecular consequence: frameshift variant.
Genome position (GRCh38, 1-based): chr19:38,446,533, C deleted; the last of 2 consecutive C bases (chr19:38,446,532-38,446,533); deleting either gives the same sequence. VCF-style (leftmost placement, unchanged base first): chr19-38446531-AC-A. GRCh37 (hg19) VCF-style: chr19-38937171-AC-A.
Other names: c.693del, p.Ile232fs (NM_001042723.2); short protein forms I232fs.
Identifiers: ClinVar variation 3236858 (VCV003236858.2), dbSNP rs756236271.